The following is an entry in ClinVar:

NM_007194.4(CHEK2):c.1259+5_1259+6del

Gene: CHEK2 (checkpoint kinase 2; minus strand). Cytogenetic location: 22q12.1.
Variant type: Deletion.
Coding change: c.1259+5_1259+6del on transcript NM_007194.4 (MANE Select); bases 5 to 6 of the intron after coding-DNA position 1259, 2 bases deleted (GA; older notation c.1259+5_1259+6delGA).
Molecular consequence: intron variant.
Genome position (GRCh38, 1-based): chr22:28,695,704-28,695,705, TC deleted on the plus strand (GA on the coding strand, the reverse complement: CHEK2 is on the minus strand); deleting any 2 consecutive bases within chr22:28,695,704-28,695,706 gives the same sequence; the c. name uses the placement nearest the transcript's 3' end. VCF-style (leftmost placement, unchanged base first): chr22-28695703-TTC-T. GRCh37 (hg19) VCF-style: chr22-29091691-TTC-T.
Other names: c.1172+5_1172+6del (NM_145862.3); c.596+5_596+6del (NM_001257387.3, NM_001437942.1); c.1058+5_1058+6del (NM_001349956.3); c.1265+5_1265+6del (NM_001438295.1); c.1352+5_1352+6del (NM_001438293.1); c.1301+5_1301+6del (NM_001438294.1); c.1388+5_1388+6del (NM_001005735.3).
Identifiers: ClinVar variation 4002255 (VCV004002255.1).

ClinVar aggregate classification (germline): Uncertain significance (1 of 4 stars; one submission).

Conditions:
Hereditary cancer-predisposing syndrome. Also called: Tumor predisposition; Hereditary neoplastic syndrome; Neoplastic Syndromes, Hereditary; Hereditary Cancer Syndrome. Identifiers: Orphanet 140162, MedGen C0027672, MeSH D009386, MONDO:0015356.

Submission:

Ambry Genetics
Classification: Uncertain significance for Hereditary cancer-predisposing syndrome. Last evaluated: 2025-04-29. Review status: criteria provided, single submitter. Criteria: Ambry Variant Classification Scheme 2023. Collection method: clinical testing. Allele origin: germline.
Comment: The c.1259+5_1259+6delGA intronic variant begins 5 nucleotides after coding exon 10 in the CHEK2 gene. This variant results from a deletion of 2 nucleotides at positions c.1259+5 to c.1259+6. This nucleotide region is well conserved in available vertebrate species. In silico splice site analysis predicts that this alteration may weaken the native splice donor site. Based on the available evidence, the clinical significance of this variant remains unclear.